The following is an entry in ClinVar:

ClinVar aggregate classification (germline): Pathogenic (1 of 4 stars; one submission).

Conditions:
Retinoblastoma (RB1). Also called: RETINOBLASTOMA, SOMATIC. Identifiers: Orphanet 790, MedGen C0035335, MeSH D012175, MONDO:0008380, OMIM 180200, HP:0009919. Disease mechanism: loss of function. Inheritance: Both sporadic and heritable forms are tested..

Submission:

Labcorp Genetics (formerly Invitae), Labcorp
Classification: Pathogenic for Retinoblastoma. Last evaluated: 2023-03-27. Review status: criteria provided, single submitter. Criteria: Invitae Variant Classification Sherloc (09022015). Collection method: clinical testing. Allele origin: germline.
Comment: This sequence change affects an acceptor splice site in intron 11 of the RB1 gene. It is expected to disrupt RNA splicing. Variants that disrupt the donor or acceptor splice site typically lead to a loss of protein function (PMID: 16199547), and loss-of-function variants in RB1 are known to be pathogenic (PMID: 17096365). This variant is not present in population databases (gnomAD no frequency). For these reasons, this variant has been classified as Pathogenic. Algorithms developed to predict the effect of sequence changes on RNA splicing suggest that this variant may disrupt the consensus splice site. Disruption of this splice site has been observed in individual(s) with bilateral retinoblastoma (PMID: 33456302, 34645364).

Literature cited by the submitters: PubMed 16199547; PubMed 17096365; PubMed 33456302; PubMed 34645364.

NM_000321.3(RB1):c.1128-2A>T

Gene: RB1 (RB transcriptional corepressor 1; plus strand). Cytogenetic location: 13q14.2.
Variant type: single nucleotide variant.
Coding change: c.1128-2A>T on transcript NM_000321.3 (MANE Select); the canonical splice acceptor site of the intron before coding-DNA position 1128, A replaced by T.
Molecular consequence: splice acceptor variant.
Genome position (GRCh38, 1-based): chr13:48,373,403, A>T. VCF-style: chr13-48373403-A-T. GRCh37 (hg19) VCF-style: chr13-48947539-A-T.
Other names: c.1128-2A>T (NM_001407165.1, NM_001407166.1).
Identifiers: ClinVar variation 2780264 (VCV002780264.3), dbSNP rs1131690892, ClinGen allele CA388161422.